The following is an entry in ClinVar:

NM_020921.4(NIN):c.4019T>G (p.Val1340Gly)

Gene: NIN (ninein; minus strand). Cytogenetic location: 14q22.1.
Variant type: single nucleotide variant.
Coding change: c.4019T>G on transcript NM_020921.4 (MANE Select); coding-DNA position 4019, T replaced by G.
Protein change: p.Val1340Gly; replaces valine 1340 with glycine.
Molecular consequence: missense variant. On other transcripts: intron variant (1).
Genome position (GRCh38, 1-based): chr14:50,757,011, A>C on the plus strand (T>G on the coding strand, the complement: NIN is on the minus strand). VCF-style: chr14-50757011-A-C. GRCh37 (hg19) VCF-style: chr14-51223729-A-C.
Other names: c.4019T>G, p.Val1340Gly (NM_182944.3, NM_182946.2); c.2400-2144T>G (NM_016350.5); short protein forms V1340G.
Identifiers: ClinVar variation 2716175 (VCV002716175.3), dbSNP rs950585286, ClinGen allele CA389694530.

ClinVar aggregate classification (germline): Uncertain significance (1 of 4 stars; one submission).

Allele frequency attached by ClinVar (database versions not stated): TOPMed below 0.00001; gnomAD 0.00001; gnomAD exomes 0.00001.
gnomAD v4.1: 17 of 1,613,100 alleles (0.0011%); highest among the groups gnomAD compares: Non-Finnish European, 0.0014%; no homozygotes.

Submission:

Labcorp Genetics (formerly Invitae), Labcorp
Classification: Uncertain significance. Last evaluated: 2024-12-04. Review status: criteria provided, single submitter. Criteria: Invitae Variant Classification Sherloc (09022015). Collection method: clinical testing. Allele origin: germline.
Comment: This sequence change replaces valine, which is neutral and non-polar, with glycine, which is neutral and non-polar, at codon 1340 of the NIN protein (p.Val1340Gly). This variant is present in population databases (no rsID available, gnomAD 0.01%). This variant has not been reported in the literature in individuals affected with NIN-related conditions. ClinVar contains an entry for this variant (Variation ID: 2716175). An algorithm developed to predict the effect of missense changes on protein structure and function outputs the following: PolyPhen-2: "Benign". The glycine amino acid residue is found in multiple mammalian species, which suggests that this missense change does not adversely affect protein function. In summary, the available evidence is currently insufficient to determine the role of this variant in disease. Therefore, it has been classified as a Variant of Uncertain Significance.